The following is an entry in ClinVar:

ClinVar aggregate classification (germline): Uncertain significance (1 of 4 stars; one submission).

Submission:

Labcorp Genetics (formerly Invitae), Labcorp
Classification: Uncertain significance. Last evaluated: 2024-02-20. Review status: criteria provided, single submitter. Criteria: Invitae Variant Classification Sherloc (09022015). Collection method: clinical testing. Allele origin: germline.
Comment: This sequence change replaces asparagine, which is neutral and polar, with aspartic acid, which is acidic and polar, at codon 1749 of the MYH9 protein (p.Asn1749Asp). This variant is not present in population databases (gnomAD no frequency). This variant has not been reported in the literature in individuals affected with MYH9-related conditions. Advanced modeling of protein sequence and biophysical properties (such as structural, functional, and spatial information, amino acid conservation, physicochemical variation, residue mobility, and thermodynamic stability) performed at Invitae indicates that this missense variant is not expected to disrupt MYH9 protein function with a negative predictive value of 95%. In summary, the available evidence is currently insufficient to determine the role of this variant in disease. Therefore, it has been classified as a Variant of Uncertain Significance.

NM_002473.6(MYH9):c.5245A>G (p.Asn1749Asp)

Gene: MYH9 (myosin heavy chain 9; minus strand). Cytogenetic location: 22q12.3.
Variant type: single nucleotide variant.
Coding change: c.5245A>G on transcript NM_002473.6 (MANE Select); coding-DNA position 5245, A replaced by G.
Protein change: p.Asn1749Asp; replaces asparagine 1749 with aspartic acid.
Molecular consequence: missense variant.
Genome position (GRCh38, 1-based): chr22:36,285,687, T>C on the plus strand (A>G on the coding strand, the complement: MYH9 is on the minus strand). VCF-style: chr22-36285687-T-C. GRCh37 (hg19) VCF-style: chr22-36681733-T-C.
Other names: short protein forms N1749D.
Identifiers: ClinVar variation 2700418 (VCV002700418.3), dbSNP rs2517948250, ClinGen allele CA411373912.